The following is an entry in ClinVar:

NM_001080467.3(MYO5B):c.3363_3364delinsGA (p.Ile1121_Gly1122delinsMetArg)

Gene: MYO5B (myosin VB; minus strand). Cytogenetic location: 18q21.1.
Variant type: Indel.
Coding change: c.3363_3364delinsGA on transcript NM_001080467.3 (MANE Select); coding-DNA positions 3363 to 3364, CG replaced by GA.
Protein change: p.Ile1121_Gly1122delinsMetArg.
Molecular consequence: missense variant.
Genome position (GRCh38, 1-based): chr18:49,877,795-49,877,796, CG replaced by TC on the plus strand (CG replaced by GA on the coding strand, the reverse complement: MYO5B is on the minus strand). VCF-style: chr18-49877795-CG-TC. GRCh37 (hg19) VCF-style: chr18-47404165-CG-TC.
Identifiers: ClinVar variation 1506984 (VCV001506984.5), dbSNP rs2144103021, ClinGen allele CA2573155379.

ClinVar aggregate classification (germline): Uncertain significance (1 of 4 stars; one submission).

Submission:

Labcorp Genetics (formerly Invitae), Labcorp
Classification: Uncertain significance. Last evaluated: 2021-10-14. Review status: criteria provided, single submitter. Criteria: Invitae Variant Classification Sherloc (09022015). Collection method: clinical testing. Allele origin: germline.
Comment: This variant, c.3363_3364delinsGA, is a complex sequence change that results in the deletion of 2 and insertion of 2 amino acid(s) in the MYO5B protein (p.Ile1121_Gly1122delinsMetArg). The frequency data for this variant in the population databases is not available, as this variant may be reported as separate entries in the ExAC database. This variant has not been reported in the literature in individuals affected with MYO5B-related conditions. Experimental studies and prediction algorithms are not available or were not evaluated, and the functional significance of this variant is currently unknown. In summary, the available evidence is currently insufficient to determine the role of this variant in disease. Therefore, it has been classified as a Variant of Uncertain Significance.